The following is an entry in ClinVar:

NM_015015.3(KDM4B):c.432+2dup

Gene: KDM4B (lysine demethylase 4B; plus strand). Cytogenetic location: 19p13.3.
Variant type: Duplication.
Coding change: c.432+2dup on transcript NM_015015.3 (MANE Select); the canonical splice donor site of the intron after coding-DNA position 432, one base duplicated (T; older notation c.432+2dupT).
Molecular consequence: splice donor variant.
Genome position (GRCh38, 1-based): chr19:5,041,253, T duplicated. VCF-style (leftmost placement, unchanged base first): chr19-5041252-G-GT. GRCh37 (hg19) VCF-style: chr19-5041263-G-GT.
Other names: c.432+2dup (NM_001370093.1, NM_001370094.1).
Identifiers: ClinVar variation 1312409 (VCV001312409.3), dbSNP rs2145667857, ClinGen allele CA2573054818.
Genomic context (GRCh38, chr19:5,041,252, plus strand): 5'-AACCTCACCTTTGTCTCCCCGATCTACGGGGCTGACATCAGCGGCTCTTTGTATGATGAC[G>GT]TAAGTATGAGGCTCCGGGGAAGAACAGGGACCAGCTTCCTGGTGGGTGGTGGTGGGAGGG-3'

ClinVar aggregate classification (germline): Likely pathogenic (1 of 4 stars; one submission).

Submission:

GeneDx
Classification: Likely pathogenic. Last evaluated: 2024-04-30. Review status: criteria provided, single submitter. Criteria: GeneDx Variant Classification Process June 2021. Collection method: clinical testing. Allele origin: germline. Affected: yes.
Comment: Not observed at significant frequency in large population cohorts (gnomAD); In silico analysis is inconclusive as to whether the variant alters gene splicing. In the absence of RNA/functional studies, the actual effect of this sequence change is unknown.; Has not been previously published as pathogenic or benign to our knowledge